The following is an entry in ClinVar:

ClinVar aggregate classification (germline): Benign/Likely benign. Review status: criteria provided, multiple submitters, no conflicts (2 of 4 stars). 4 submissions from 4 submitters: Benign (1); Likely benign (3). Last evaluated 2026-02-01.

Conditions:
Agammaglobulinemia 7, autosomal recessive (AGM7). Also called: AGAMMAGLOBULINEMIA, AUTOSOMAL RECESSIVE, DUE TO PIK3R1 DEFECT. Identifiers: MedGen C3554689, MONDO:0014083, OMIM 615214.
SHORT syndrome. Also called: PIK3R1-Related SHORT Syndrome; LIPODYSTROPHY, PARTIAL, WITH RIEGER ANOMALY AND SHORT STATURE; SHORT STATURE, HYPEREXTENSIBILITY, HERNIA, OCULAR DEPRESSION, RIEGER ANOMALY, AND TEETHING DELAY. Identifiers: Orphanet 3163, MedGen C0878684, MONDO:0010026, OMIM 269880.
Immunodeficiency 36 with lymphoproliferation. Also called: ACTIVATED PI3K-DELTA SYNDROME 2; Immunodeficiency 36; Activated PI3K Delta Syndrome Type 2 (APDS2). Identifiers: Orphanet 397596, Orphanet 693681, MedGen C4014934, MONDO:0014453, OMIM 616005.
PIK3R1-related disorder. Also called: PIK3R1-related condition.

Allele frequency attached by ClinVar (database versions not stated): gnomAD exomes 0.00010 and 0.00026; ESP Exome Variant Server 0.00015; TOPMed 0.00015; gnomAD 0.00018 and 0.00020; ExAC 0.00020.
gnomAD v4.1: 195 of 1,613,950 alleles (0.012%); highest among the groups gnomAD compares: Admixed American, 0.0067%; no homozygotes.

Submissions (4):

Labcorp Genetics (formerly Invitae), Labcorp
Classification: Benign for SHORT syndrome; Immunodeficiency 36 with lymphoproliferation; Agammaglobulinemia 7, autosomal recessive. Last evaluated: 2026-02-01. Review status: criteria provided, single submitter. Criteria: Invitae Variant Classification Sherloc (09022015). Collection method: clinical testing. Allele origin: germline.

CeGaT Center for Human Genetics Tuebingen
Classification: Likely benign. Last evaluated: 2025-09-01. Review status: criteria provided, single submitter. Criteria: CeGaT Center For Human Genetics Tuebingen Variant Classification Criteria Version 2. Collection method: clinical testing. Allele origin: germline. Affected: yes. Observed: 1 variant allele.
Comment: PIK3R1: BP4

PreventionGenetics, part of Exact Sciences
Classification: Likely benign for PIK3R1-related condition. Last evaluated: 2024-11-26. Review status: criteria provided, single submitter. Criteria: ACMG Guidelines, 2015. Collection method: clinical testing. Allele origin: germline.
Comment: This variant is classified as likely benign based on ACMG/AMP sequence variant interpretation guidelines (Richards et al. 2015 PMID: 25741868, with internal and published modifications).

Genetic Services Laboratory, University of Chicago
Classification: Likely benign. Last evaluated: 2017-11-30. Review status: criteria provided, single submitter. Criteria: ACMG Guidelines, 2015. Collection method: clinical testing. Allele origin: germline. Affected: no.

NM_181523.3(PIK3R1):c.634+6T>C

Gene: PIK3R1 (phosphoinositide-3-kinase regulatory subunit 1; plus strand). Cytogenetic location: 5q13.1.
Variant type: single nucleotide variant.
Coding change: c.634+6T>C on transcript NM_181523.3 (MANE Select); 6 bases into the intron after coding-DNA position 634, T replaced by C.
Molecular consequence: intron variant.
Genome position (GRCh38, 1-based): chr5:68,279,739, T>C. VCF-style: chr5-68279739-T-C. GRCh37 (hg19) VCF-style: chr5-67575567-T-C.
Identifiers: ClinVar variation 436316 (VCV000436316.25), dbSNP rs199530427, ClinGen allele CA3290088.